The following is an entry in ClinVar:

ClinVar aggregate classification (germline): Uncertain significance (1 of 4 stars; one submission).

Submission:

Ambry Genetics
Classification: Uncertain significance. Last evaluated: 2025-03-13. Review status: criteria provided, single submitter. Criteria: Ambry Variant Classification Scheme 2023. Collection method: clinical testing. Allele origin: germline.
Comment: The p.I128F variant (also known as c.382A>T), located in coding exon 4 of the ILK gene, results from an A to T substitution at nucleotide position 382. The isoleucine at codon 128 is replaced by phenylalanine, an amino acid with highly similar properties. This amino acid position is conserved. In addition, the in silico prediction for this alteration is inconclusive. Based on the available evidence, the clinical significance of this variant remains unclear.

NM_004517.4(ILK):c.382A>T (p.Ile128Phe)

Genes: ILK (integrin linked kinase; plus strand), TAF10 (TATA-box binding protein associated factor 10; minus strand). Cytogenetic location: 11p15.4.
Variant type: single nucleotide variant.
Coding change: c.382A>T on transcript NM_004517.4 (MANE Select); coding-DNA position 382, A replaced by T.
Protein change: p.Ile128Phe; replaces isoleucine 128 with phenylalanine.
Molecular consequence: missense variant. On other transcripts: 5 prime UTR variant (1), 3 prime UTR variant (1), intron variant (1).
Genome position (GRCh38, 1-based): chr11:6,608,724, A>T. VCF-style: chr11-6608724-A-T. GRCh37 (hg19) VCF-style: chr11-6629954-A-T.
Other names: c.382A>T, p.Ile128Phe (NM_001014794.3, NM_001014795.3); c.-21A>T (NM_001278442.2); c.*2198T>A (NM_006284.4); c.352-160A>T (NM_001278441.2); short protein forms I128F.
Identifiers: ClinVar variation 3860410 (VCV003860410.1).